The following is an entry in ClinVar:

NM_020759.3(STARD9):c.12594C>T (p.Pro4198=)

Gene: STARD9 (StAR related lipid transfer domain containing 9; plus strand). Cytogenetic location: 15q15.2.
Variant type: single nucleotide variant.
Coding change: c.12594C>T on transcript NM_020759.3 (MANE Select); coding-DNA position 12594, C replaced by T.
Protein change: p.Pro4198=; no amino-acid change (proline 4198 retained).
Molecular consequence: synonymous variant.
Genome position (GRCh38, 1-based): chr15:42,694,172, C>T. VCF-style: chr15-42694172-C-T. GRCh37 (hg19) VCF-style: chr15-42986370-C-T.
Identifiers: ClinVar variation 3035067 (VCV003035067.2), dbSNP rs778100847, ClinGen allele CA269904613.

ClinVar aggregate classification (germline): Likely benign (0 of 4 stars; one submission).

Conditions:
STARD9-related disorder. Also called: STARD9-related condition.

Allele frequency attached by ClinVar (database versions not stated): TOPMed 0.00006; gnomAD 0.00008.
gnomAD v4.1: 173 of 1,535,146 alleles (0.011%); highest among the groups gnomAD compares: Non-Finnish European, 0.014%; no homozygotes.

Submission:

PreventionGenetics, part of Exact Sciences
Classification: Likely benign for STARD9-related condition. Last evaluated: 2019-08-06. Review status: no assertion criteria provided. Collection method: clinical testing. Allele origin: germline.
Comment: This variant is classified as likely benign based on ACMG/AMP sequence variant interpretation guidelines (Richards et al. 2015 PMID: 25741868, with internal and published modifications).